The following is an entry in ClinVar:

NM_003477.3(PDHX):c.70C>G (p.Arg24Gly)

Genes: PDHX (pyruvate dehydrogenase complex component X; plus strand), LOC130005549 (ATAC-STARR-seq lymphoblastoid active region 4608; plus strand). Cytogenetic location: 11p13.
Variant type: single nucleotide variant.
Coding change: c.70C>G on transcript NM_003477.3 (MANE Select); coding-DNA position 70, C replaced by G.
Protein change: p.Arg24Gly; replaces arginine 24 with glycine.
Molecular consequence: missense variant. On other transcripts: intron variant (1).
Genome position (GRCh38, 1-based): chr11:34,916,725, C>G. VCF-style: chr11-34916725-C-G. GRCh37 (hg19) VCF-style: chr11-34938272-C-G.
Other names: p.R24G:CGA>GGA; c.70C>G, p.Arg24Gly (NM_001166158.2); c.-21+239C>G (NM_001135024.2); short protein forms R24G.
Identifiers: ClinVar variation 138654 (VCV000138654.20), dbSNP rs11539201, ClinGen allele CA292733.
Genomic context (GRCh38, chr11:34,916,725, plus strand): 5'-TCCTGGAGGCTGGGCTGTGATCCGCGGCTGCTGCGTTATCTTGTGGGCTTCCCCGGCCGC[C>G]GAAGCGTAGGGCTGGTGAAGGGGGCTCTTGGGTGGTCTGTAAGCCGCGGAGCTAATTGGA-3'
Protein context (NP_003468.2, residues 14-34): LRYLVGFPGR[Arg24Gly]SVGLVKGALG

ClinVar aggregate classification (germline): Benign. Review status: criteria provided, multiple submitters, no conflicts (2 of 4 stars). 6 submissions from 6 submitters: Benign (5). 1 of the submissions does not count toward it. Last evaluated 2026-02-04.

Conditions:
Pyruvate dehydrogenase E3-binding protein deficiency (PDHXD). Also called: LACTIC ACIDEMIA DUE TO DEFECT IN LIPOYL-CONTAINING COMPONENT X OF THE PYRUVATE DEHYDROGENASE COMPLEX; E3-Binding Protein (Component X) Deficiency; Lacticacidemia due to PDX1 deficiency; PYRUVATE HYDROGENASE E3-BINDING PROTEIN DEFICIENCY. Identifiers: Orphanet 255182, MedGen C1855553, MONDO:0009503, OMIM 245349.

Allele frequency attached by ClinVar (database versions not stated): ESP Exome Variant Server 0.02377; TOPMed 0.02006; gnomAD 0.02438 and 0.02458; gnomAD exomes 0.02894 and 0.03488; ExAC 0.03030; 1000 Genomes Project 30x 0.01390; 1000 Genomes Project 0.01538.
gnomAD v4.1: 54,236 of 1,613,134 alleles (3.4%); highest among the groups gnomAD compares: South Asian, 4.5%; 1,117 homozygotes.

Submissions (6):

Labcorp Genetics (formerly Invitae), Labcorp
Classification: Benign. Last evaluated: 2026-02-04. Review status: criteria provided, single submitter. Criteria: Invitae Variant Classification Sherloc (09022015). Collection method: clinical testing. Allele origin: germline.

Illumina Laboratory Services, Illumina
Classification: Benign for Pyruvate dehydrogenase E3-binding protein deficiency. Last evaluated: 2018-01-12. Review status: criteria provided, single submitter. Criteria: ICSL Variant Classification Criteria 13 December 2019. Collection method: clinical testing. Allele origin: germline.
Comment: This variant was observed in the ICSL laboratory as part of a predisposition screen in an ostensibly healthy population. It had not been previously curated by ICSL or reported in the Human Gene Mutation Database (HGMD: prior to June 1st, 2018), and was therefore a candidate for classification through an automated scoring system. Utilizing variant allele frequency, disease prevalence and penetrance estimates, and inheritance mode, an automated score was calculated to assess if this variant is too frequent to cause the disease. Based on the score and internal cut-off values, a variant classified as benign is not then subjected to further curation. The score for this variant resulted in a classification of benign for this disease.

Eurofins Ntd Llc (ga)
Classification: Benign. Last evaluated: 2016-02-13. Review status: criteria provided, single submitter. Criteria: EGL Classification Definitions 2015. Collection method: clinical testing. Allele origin: germline. Observed: 1 variant allele, 1 heterozygote.

GeneDx
Classification: Benign. Last evaluated: 2014-03-20. Review status: criteria provided, single submitter. Criteria: GeneDx Variant Classification (06012015). Collection method: clinical testing. Allele origin: germline. Affected: yes.
Comment: This variant is considered likely benign or benign based on one or more of the following criteria: it is a conservative change, it occurs at a poorly conserved position in the protein, it is predicted to be benign by multiple in silico algorithms, and/or has population frequency not consistent with disease.

Breakthrough Genomics
Classification: Benign. Review status: criteria provided, single submitter. Criteria: ACMG Guidelines, 2015. Collection method: not provided. Allele origin: germline. Inheritance: Autosomal recessive inheritance. Affected: yes.

Mayo Clinic Laboratories, Mayo Clinic
Classification: Likely benign. Last evaluated: 2016-02-22. Review status: no assertion criteria provided. Collection method: clinical testing. Allele origin: unknown. Not counted in ClinVar's aggregate classification.